The following is an entry in ClinVar:

NM_001365951.3(KIF1B):c.266A>G (p.Tyr89Cys)

Gene: KIF1B (kinesin family member 1B; plus strand). Cytogenetic location: 1p36.22.
Variant type: single nucleotide variant.
Coding change: c.266A>G on transcript NM_001365951.3 (MANE Select); coding-DNA position 266, A replaced by G.
Protein change: p.Tyr89Cys; replaces tyrosine 89 with cysteine.
Molecular consequence: missense variant.
Genome position (GRCh38, 1-based): chr1:10,258,575, A>G. VCF-style: chr1-10258575-A-G. GRCh37 (hg19) VCF-style: chr1-10318633-A-G.
Other names: c.266A>G, p.Tyr89Cys (NM_001365952.1, NM_001365953.1, NM_015074.3 and 1 more transcripts); short protein forms Y89C.
Identifiers: ClinVar variation 3226413 (VCV003226413.1), dbSNP rs2523465667, ClinGen allele CA338325185.

ClinVar aggregate classification (germline): Uncertain significance (1 of 4 stars; one submission).

Allele frequency attached by ClinVar (database versions not stated): gnomAD exomes below 0.00001.
gnomAD v4.1: 1 of 1,614,174 alleles (0.000062%); highest among the groups gnomAD compares: Non-Finnish European, 0.000085%; no homozygotes.

Submission:

Ambry Genetics
Classification: Uncertain significance. Last evaluated: 2023-11-23. Review status: criteria provided, single submitter. Criteria: Ambry Variant Classification Scheme 2023. Collection method: clinical testing. Allele origin: germline.
Comment: The p.Y89C variant (also known as c.266A>G), located in coding exon 3 of the KIF1B gene, results from an A to G substitution at nucleotide position 266. The tyrosine at codon 89 is replaced by cysteine, an amino acid with highly dissimilar properties. This amino acid position is conserved. In addition, this alteration is predicted to be deleterious by in silico analysis. Since supporting evidence is limited at this time, the clinical significance of this alteration remains unclear.